The following is an entry in ClinVar:

ClinVar aggregate classification (germline): Uncertain significance (1 of 4 stars; one submission).

Conditions:
Inborn genetic diseases. Identifiers: MedGen C0950123, MeSH D030342.

gnomAD v4.1: 2 of 1,613,888 alleles (0.00012%); highest among the groups gnomAD compares: African/African-American, 0.0013%; no homozygotes.

Submission:

Ambry Genetics
Classification: Uncertain significance for Inborn genetic diseases. Last evaluated: 2025-11-02. Review status: criteria provided, single submitter. Criteria: Ambry Variant Classification Scheme 2023. Collection method: clinical testing. Allele origin: germline.
Comment: The c.3001G>A (p.E1001K) alteration is located in exon 17 (coding exon 17) of the ATP2B1 gene. This alteration results from a G to A substitution at nucleotide position 3001, causing the glutamic acid (E) at amino acid position 1001 to be replaced by a lysine (K). Based on data from gnomAD, the A allele has an overall frequency of <0.001% (1/250958) total alleles studied. The highest observed frequency was 0.006% (1/16254) of African alleles. Based on insufficient or conflicting evidence, the clinical significance of this alteration remains unclear.

NM_001366521.1(ATP2B1):c.3001G>A (p.Glu1001Lys)

Gene: ATP2B1 (ATPase plasma membrane Ca2+ transporting 1; minus strand). Cytogenetic location: 12q21.33.
Variant type: single nucleotide variant.
Coding change: c.3001G>A on transcript NM_001366521.1 (MANE Select); coding-DNA position 3001, G replaced by A.
Protein change: p.Glu1001Lys; replaces glutamic acid 1001 with lysine.
Molecular consequence: missense variant. On other transcripts: non-coding transcript variant (3).
Genome position (GRCh38, 1-based): chr12:89,603,102, C>T on the plus strand (G>A on the coding strand, the complement: ATP2B1 is on the minus strand). VCF-style: chr12-89603102-C-T. GRCh37 (hg19) VCF-style: chr12-89996879-C-T.
Other names: c.3001G>A, p.Glu1001Lys (NM_001001323.2, NM_001366520.1, NM_001366522.1 and 12 more transcripts); c.2803G>A, p.Glu935Lys (NM_001366530.1, NM_001413053.1); c.2440G>A, p.Glu814Lys (NM_001366531.1, NM_001366532.1, NM_001413058.1 and 2 more transcripts); c.2962G>A, p.Glu988Lys (NM_001413048.1); c.2860G>A, p.Glu954Lys (NM_001413051.1, NM_001413052.1, NM_001413055.1); c.2758G>A, p.Glu920Lys (NM_001413054.1); c.2746G>A, p.Glu916Lys (NM_001413056.1); c.2548G>A, p.Glu850Lys (NM_001413057.1); short protein forms E954K, E916K, E1001K, E814K, E920K, E935K, E850K, E988K.
Identifiers: ClinVar variation 4591047 (VCV004591047.1).